The following is an entry in ClinVar:

ClinVar aggregate classification (germline): Uncertain significance (1 of 4 stars; one submission).

Allele frequency attached by ClinVar (database versions not stated): gnomAD 0.00001; gnomAD exomes 0.00001 and 0.00002; ExAC 0.00002; TOPMed 0.00003.
gnomAD v4.1: 25 of 1,609,126 alleles (0.0016%); highest among the groups gnomAD compares: Non-Finnish European, 0.002%; no homozygotes.

Submission:

Labcorp Genetics (formerly Invitae), Labcorp
Classification: Uncertain significance. Last evaluated: 2023-07-10. Review status: criteria provided, single submitter. Criteria: Invitae Variant Classification Sherloc (09022015). Collection method: clinical testing. Allele origin: germline.
Comment: Variants that disrupt the consensus splice site are a relatively common cause of aberrant splicing (PMID: 17576681, 9536098). Algorithms developed to predict the effect of sequence changes on RNA splicing suggest that this variant may create or strengthen a splice site. In summary, the available evidence is currently insufficient to determine the role of this variant in disease. Therefore, it has been classified as a Variant of Uncertain Significance. This variant has not been reported in the literature in individuals affected with GPAA1-related conditions. This sequence change falls in intron 7 of the GPAA1 gene. It does not directly change the encoded amino acid sequence of the GPAA1 protein. It affects a nucleotide within the consensus splice site. This variant is present in population databases (rs782789815, gnomAD 0.002%). ClinVar contains an entry for this variant (Variation ID: 1380745).

Literature cited by the submitters: PubMed 17576681; PubMed 9536098.

NM_003801.4(GPAA1):c.1010+6T>C

Gene: GPAA1 (glycosylphosphatidylinositol anchor attachment 1; plus strand). Cytogenetic location: 8q24.3.
Variant type: single nucleotide variant.
Coding change: c.1010+6T>C on transcript NM_003801.4 (MANE Select); 6 bases into the intron after coding-DNA position 1010, T replaced by C.
Molecular consequence: intron variant.
Genome position (GRCh38, 1-based): chr8:144,084,615, T>C. VCF-style: chr8-144084615-T-C. GRCh37 (hg19) VCF-style: chr8-145139518-T-C.
Identifiers: ClinVar variation 1380745 (VCV001380745.4), dbSNP rs782789815, ClinGen allele CA4932998.